The following is an entry in ClinVar:

ClinVar aggregate classification (germline): Uncertain significance. Review status: criteria provided, multiple submitters, no conflicts (2 of 4 stars). 3 submissions from 3 submitters: Uncertain significance (3). Last evaluated 2025-03-04.

Conditions:
Renal cell carcinoma. Identifiers: Orphanet 217071, MedGen C0007134, MeSH D002292, MONDO:0005086, HP:0005584.
Lymphedema. Also called: Lymphoedema. Identifiers: MedGen C0024236, MONDO:0019297, HP:0001004.

Allele frequency attached by ClinVar (database versions not stated): gnomAD exomes below 0.00001.
gnomAD v4.1: 3 of 1,614,178 alleles (0.00019%); highest among the groups gnomAD compares: South Asian, 0.0011%; no homozygotes.

Submissions (3):

Center for Genomic Medicine, Rigshospitalet, Copenhagen University Hospital
Classification: Uncertain significance. Last evaluated: 2025-03-04. Review status: criteria provided, single submitter. Criteria: ACMG Guidelines, 2015. Collection method: clinical testing. Allele origin: germline.

Clinical Genomics Laboratory, Washington University in St. Louis
Classification: Uncertain significance for Lymphedema. Last evaluated: 2025-03-02. Review status: criteria provided, single submitter. Criteria: ACMG Guidelines, 2015. Collection method: clinical testing. Allele origin: germline.
Comment: A MET c.1436T>C (p.Phe479Ser) variant was identified at a heterozygous allelic fraction of 50.5%, a frequency which may be consistent with germline origin. This variant, to our knowledge, has not been reported in the medical literature. This variant has been reported in the ClinVar database as a germline variant of uncertain significance by two submitters (ClinVar variation ID: 841477). The MET c.1436T>C (p.Phe479Ser) variant is only observed on 3/1,614,178 alleles in the general population (gnomAD v.4.1.0), indicating it is not a common variant. Computational predictors are uncertain as to the impact of this variant on MET function. Due to limited information, and based on ACMG/AMP guidelines for variant interpretation (Richards S et al., PMID: 25741868), the clinical significance of this variant is uncertain at this time.

Labcorp Genetics (formerly Invitae), Labcorp
Classification: Uncertain significance for Renal cell carcinoma. Last evaluated: 2024-09-19. Review status: criteria provided, single submitter. Criteria: Invitae Variant Classification Sherloc (09022015). Collection method: clinical testing. Allele origin: germline.
Comment: This sequence change replaces phenylalanine, which is neutral and non-polar, with serine, which is neutral and polar, at codon 479 of the MET protein (p.Phe479Ser). This variant is not present in population databases (gnomAD no frequency). This variant has not been reported in the literature in individuals affected with MET-related conditions. ClinVar contains an entry for this variant (Variation ID: 841477). Invitae Evidence Modeling of protein sequence and biophysical properties (such as structural, functional, and spatial information, amino acid conservation, physicochemical variation, residue mobility, and thermodynamic stability) indicates that this missense variant is expected to disrupt MET protein function with a positive predictive value of 80%. In summary, the available evidence is currently insufficient to determine the role of this variant in disease. Therefore, it has been classified as a Variant of Uncertain Significance.

NM_000245.4(MET):c.1436T>C (p.Phe479Ser)

Gene: MET (MET proto-oncogene, receptor tyrosine kinase; plus strand). Cytogenetic location: 7q31.2.
Variant type: single nucleotide variant.
Coding change: c.1436T>C on transcript NM_000245.4 (MANE Select); coding-DNA position 1436, T replaced by C.
Protein change: p.Phe479Ser; replaces phenylalanine 479 with serine.
Molecular consequence: missense variant.
Genome position (GRCh38, 1-based): chr7:116,739,993, T>C. VCF-style: chr7-116739993-T-C. GRCh37 (hg19) VCF-style: chr7-116380047-T-C.
Other names: c.1436T>C, p.Phe479Ser (NM_001127500.3, NM_001324401.3); c.146T>C, p.Phe49Ser (NM_001324402.2); short protein forms F49S, F479S.
Identifiers: ClinVar variation 841477 (VCV000841477.12), dbSNP rs1793380587, ClinGen allele CA368974091.